The following is an entry in ClinVar:

ClinVar aggregate classification (germline): Uncertain significance (0 of 4 stars; one submission).

Conditions:
MYCN-related disorder. Also called: MYCN-related condition.

Allele frequency attached by ClinVar (database versions not stated): gnomAD exomes below 0.00001.
gnomAD v4.1: 1 of 1,597,872 alleles (0.000063%); highest among the groups gnomAD compares: Non-Finnish European, 0.000085%; no homozygotes.

Submission:

PreventionGenetics, part of Exact Sciences
Classification: Uncertain significance for MYCN-related condition. Last evaluated: 2023-11-29. Review status: no assertion criteria provided. Collection method: clinical testing. Allele origin: germline.
Comment: The MYCN c.377T>C variant is predicted to result in the amino acid substitution p.Leu126Pro. To our knowledge, this variant has not been reported in the literature. This variant is reported in 0.0010% of alleles in individuals of European (Non-Finnish) descent in gnomAD. At this time, the clinical significance of this variant is uncertain due to the absence of conclusive functional and genetic evidence.

NM_005378.6(MYCN):c.377T>C (p.Leu126Pro)

Gene: MYCN (MYCN proto-oncogene, bHLH transcription factor; plus strand). Cytogenetic location: 2p24.3.
Variant type: single nucleotide variant.
Coding change: c.377T>C on transcript NM_005378.6 (MANE Select); coding-DNA position 377, T replaced by C.
Protein change: p.Leu126Pro; replaces leucine 126 with proline.
Molecular consequence: missense variant. On other transcripts: 3 prime UTR variant (1), intron variant (1).
Genome position (GRCh38, 1-based): chr2:15,942,441, T>C. VCF-style: chr2-15942441-T-C. GRCh37 (hg19) VCF-style: chr2-16082563-T-C.
Other names: c.377T>C, p.Leu126Pro (NM_001293228.2); c.*312T>C (NM_001293233.2); c.157+1698T>C (NM_001293231.2); short protein forms L126P.
Identifiers: ClinVar variation 3032539 (VCV003032539.2), dbSNP rs1558533990, ClinGen allele CA345930756.